The following is an entry in ClinVar:

NM_002841.4(PTPRG):c.1893C>T (p.Asn631=)

Gene: PTPRG (protein tyrosine phosphatase receptor type G; plus strand). Cytogenetic location: 3p14.2.
Variant type: single nucleotide variant.
Coding change: c.1893C>T on transcript NM_002841.4 (MANE Select); coding-DNA position 1893, C replaced by T.
Protein change: p.Asn631=; no amino-acid change (asparagine 631 retained).
Molecular consequence: synonymous variant.
Genome position (GRCh38, 1-based): chr3:62,203,688, C>T. VCF-style: chr3-62203688-C-T. GRCh37 (hg19) VCF-style: chr3-62189362-C-T.
Other names: c.1893C>T, p.Asn631= (NM_001375471.1).
Identifiers: ClinVar variation 3024856 (VCV003024856.22), dbSNP rs143827266, ClinGen allele CA2474829.

ClinVar aggregate classification (germline): Likely benign (1 of 4 stars; one submission).

Allele frequency attached by ClinVar (database versions not stated): 1000 Genomes Project 0.00080; 1000 Genomes Project 30x 0.00094; gnomAD 0.00104; TOPMed 0.00113; ESP Exome Variant Server 0.00154; ExAC 0.00169.
gnomAD v4.1: 2,753 of 1,571,874 alleles (0.18%); highest among the groups gnomAD compares: Non-Finnish European, 0.23%; 3 homozygotes.

Submission:

CeGaT Center for Human Genetics Tuebingen
Classification: Likely benign. Last evaluated: 2024-06-01. Review status: criteria provided, single submitter. Criteria: CeGaT Center For Human Genetics Tuebingen Variant Classification Criteria Version 2. Collection method: clinical testing. Allele origin: germline. Affected: yes. Observed: 2 variant alleles.
Comment: PTPRG: BP4, BP7